The following is an entry in ClinVar:

ClinVar aggregate classification (germline): Likely benign. Review status: criteria provided, multiple submitters, no conflicts (2 of 4 stars). 2 submissions from 2 submitters: Likely benign (2). Last evaluated 2024-03-25.

Conditions:
Catecholaminergic polymorphic ventricular tachycardia (CVPT). Also called: Catecholamine-induced polymorphic ventricular tachycardia. Identifiers: Orphanet 3286, MedGen C5574922, MONDO:0017990.

Allele frequency attached by ClinVar (database versions not stated): TOPMed below 0.00001; gnomAD 0.00001.

Submissions (2):

All of Us Research Program, National Institutes of Health
Classification: Likely benign for Catecholaminergic polymorphic ventricular tachycardia. Last evaluated: 2024-03-25. Review status: criteria provided, single submitter. Criteria: ACMG Guidelines, 2015. Collection method: clinical testing. Allele origin: germline. Inheritance: Autosomal dominant inheritance. Observed: 1 variant allele, 1 heterozygote.
Comment: This study involves interpretation of variants in research participants for the purpose of population health screening. Participant phenotype was not available at the time of variant classification. Additional details can be found in publication PMID: 35346344, PMCID: PMC8962531

Labcorp Genetics (formerly Invitae), Labcorp
Classification: Likely benign for Catecholaminergic polymorphic ventricular tachycardia 1. Last evaluated: 2020-08-06. Review status: criteria provided, single submitter. Criteria: Invitae Variant Classification Sherloc (09022015). Collection method: clinical testing. Allele origin: germline.

NM_001035.3(RYR2):c.11886C>T (p.Ser3962=)

Gene: RYR2 (ryanodine receptor 2; plus strand). Cytogenetic location: 1q43.
Variant type: single nucleotide variant.
Coding change: c.11886C>T on transcript NM_001035.3 (MANE Select); coding-DNA position 11886, C replaced by T.
Protein change: p.Ser3962=; no amino-acid change (serine 3962 retained).
Molecular consequence: synonymous variant.
Genome position (GRCh38, 1-based): chr1:237,781,570, C>T. VCF-style: chr1-237781570-C-T. GRCh37 (hg19) VCF-style: chr1-237944870-C-T.
Identifiers: ClinVar variation 1122240 (VCV001122240.6), dbSNP rs1695113528, ClinGen allele CA423825403.